The following is an entry in ClinVar:

NM_000075.4(CDK4):c.345A>C (p.Glu115Asp)

Gene: CDK4 (cyclin dependent kinase 4; minus strand). Cytogenetic location: 12q14.1.
Variant type: single nucleotide variant.
Coding change: c.345A>C on transcript NM_000075.4 (MANE Select); coding-DNA position 345, A replaced by C.
Protein change: p.Glu115Asp; replaces glutamic acid 115 with aspartic acid.
Molecular consequence: missense variant.
Genome position (GRCh38, 1-based): chr12:57,751,216, T>G on the plus strand (A>C on the coding strand, the complement: CDK4 is on the minus strand). VCF-style: chr12-57751216-T-G. GRCh37 (hg19) VCF-style: chr12-58144999-T-G.
Other names: short protein forms E115D.
Identifiers: ClinVar variation 954054 (VCV000954054.9), dbSNP rs769378936, ClinGen allele CA6657840.

ClinVar aggregate classification (germline): Conflicting classifications of pathogenicity. Review status: criteria provided, conflicting classifications (1 of 4 stars). 3 submissions from 3 submitters: Uncertain significance (2); Likely benign (1). Last evaluated 2026-03-16.

Conditions:
Hereditary cancer-predisposing syndrome. Also called: Hereditary Cancer Syndrome; Neoplastic Syndromes, Hereditary; Tumor predisposition; Hereditary neoplastic syndrome. Identifiers: Orphanet 140162, MedGen C0027672, MeSH D009386, MONDO:0015356.
Familial melanoma. Also called: Hereditary melanoma; Hereditary cutaneous melanoma. Identifiers: Orphanet 618, MedGen C1512419, MONDO:0018961.

Allele frequency attached by ClinVar (database versions not stated): ExAC 0.00002; gnomAD exomes below 0.00001 and 0.00001.
gnomAD v4.1: 2 of 1,614,182 alleles (0.00012%); highest among the groups gnomAD compares: Admixed American, 0.0033%; no homozygotes.

Submissions (3):

Ambry Genetics
Classification: Likely benign for Hereditary cancer-predisposing syndrome. Last evaluated: 2026-03-16. Review status: criteria provided, single submitter. Criteria: Ambry Variant Classification Scheme 2023. Collection method: clinical testing. Allele origin: germline.

Labcorp Genetics (formerly Invitae), Labcorp
Classification: Uncertain significance for Familial melanoma. Last evaluated: 2024-02-27. Review status: criteria provided, single submitter. Criteria: Invitae Variant Classification Sherloc (09022015). Collection method: clinical testing. Allele origin: germline.
Comment: This sequence change replaces glutamic acid, which is acidic and polar, with aspartic acid, which is acidic and polar, at codon 115 of the CDK4 protein (p.Glu115Asp). This variant is present in population databases (rs769378936, gnomAD 0.006%). This variant has not been reported in the literature in individuals affected with CDK4-related conditions. ClinVar contains an entry for this variant (Variation ID: 954054). Advanced modeling of protein sequence and biophysical properties (such as structural, functional, and spatial information, amino acid conservation, physicochemical variation, residue mobility, and thermodynamic stability) performed at Invitae indicates that this missense variant is not expected to disrupt CDK4 protein function with a negative predictive value of 95%. In summary, the available evidence is currently insufficient to determine the role of this variant in disease. Therefore, it has been classified as a Variant of Uncertain Significance.

Quest Diagnostics Nichols Institute San Juan Capistrano
Classification: Uncertain significance. Last evaluated: 2021-08-10. Review status: criteria provided, single submitter. Criteria: Quest Diagnostics criteria. Collection method: clinical testing. Allele origin: unknown.